The following is an entry in ClinVar:

NM_003995.4(NPR2):c.613C>T (p.Arg205Ter)

Gene: NPR2 (natriuretic peptide receptor 2; plus strand). Cytogenetic location: 9p13.3.
Variant type: single nucleotide variant.
Coding change: c.613C>T on transcript NM_003995.4 (MANE Select); coding-DNA position 613, C replaced by T.
Protein change: p.Arg205Ter; replaces arginine 205 with a stop codon.
Molecular consequence: nonsense.
Genome position (GRCh38, 1-based): chr9:35,793,021, C>T. VCF-style: chr9-35793021-C-T. GRCh37 (hg19) VCF-style: chr9-35793018-C-T.
Other names: c.613C>T, p.Arg205Ter (NM_001378923.1); c.613C>T (NM_003995.3); short protein forms R205*.
Identifiers: ClinVar variation 1454887 (VCV001454887.7), dbSNP rs1180840764, ClinGen allele CA373365632.

ClinVar aggregate classification (germline): Pathogenic. Review status: criteria provided, multiple submitters, no conflicts (2 of 4 stars). 2 submissions from 2 submitters: Pathogenic (2). Last evaluated 2026-04-23.

Conditions:
Tall stature-scoliosis-macrodactyly of the great toes syndrome. Also called: Epiphyseal chondrodysplasia, miura type. Identifiers: Orphanet 329191, MedGen C4014690, MONDO:0014401, OMIM 615923.
Acromesomelic dysplasia 1, Maroteaux type (AMD1). Also called: ACROMESOMELIC DYSPLASIA 1; ST. HELENA DYSPLASIA. Identifiers: Orphanet 40, MedGen C1864356, MONDO:0011275, OMIM 602875.

gnomAD v4.1: 2 of 1,609,274 alleles (0.00012%); highest among the groups gnomAD compares: Non-Finnish European, 0.00017%; no homozygotes.

Submissions (2):

GeneDx
Classification: Pathogenic. Last evaluated: 2026-04-23. Review status: criteria provided, single submitter. Criteria: GeneDx Variant Classification Process June 2021. Collection method: clinical testing. Allele origin: germline.
Comment: Nonsense variant predicted to result in protein truncation or nonsense mediated decay in a gene for which loss of function is a known mechanism of disease; Not observed at significant frequency in large population cohorts (gnomAD); Reported in a cohort of individuals with skeletal disorders undergoing panel testing; however, no clinical or segregation information was provided (PMID: 38702915); This variant is associated with the following publications: (PMID: 32506268, 31990356, 38702915)

Labcorp Genetics (formerly Invitae), Labcorp
Classification: Pathogenic for Tall stature-scoliosis-macrodactyly of the great toes syndrome; Acromesomelic dysplasia 1, Maroteaux type. Last evaluated: 2024-01-08. Review status: criteria provided, single submitter. Criteria: Invitae Variant Classification Sherloc (09022015). Collection method: clinical testing. Allele origin: germline.
Comment: This sequence change creates a premature translational stop signal (p.Arg205*) in the NPR2 gene. It is expected to result in an absent or disrupted protein product. Loss-of-function variants in NPR2 are known to be pathogenic (PMID: 15146390, 15572448, 16384845). This variant is not present in population databases (gnomAD no frequency). This premature translational stop signal has been observed in individual(s) with acromesomelic dysplasia, Maroteaux type and/or short stature (PMID: 31990356, 32506268). It has also been observed to segregate with disease in related individuals. ClinVar contains an entry for this variant (Variation ID: 1454887). For these reasons, this variant has been classified as Pathogenic.

Literature cited by the submitters: PubMed 15146390 (cited by Labcorp Genetics (formerly Invitae), Labcorp); PubMed 15572448 (cited by Labcorp Genetics (formerly Invitae), Labcorp); PubMed 16384845 (cited by Labcorp Genetics (formerly Invitae), Labcorp); PubMed 31990356 (cited by Labcorp Genetics (formerly Invitae), Labcorp); PubMed 32506268 (cited by Labcorp Genetics (formerly Invitae), Labcorp).